The following is an entry in ClinVar:

ClinVar aggregate classification (germline): Uncertain significance. Review status: criteria provided, multiple submitters, no conflicts (2 of 4 stars). 3 submissions from 3 submitters: Uncertain significance (3). Last evaluated 2024-12-09.

Conditions:
NEFH-related disorder. Also called: NEFH-related condition.
Inborn genetic diseases. Identifiers: MedGen C0950123, MeSH D030342.

Allele frequency attached by ClinVar (database versions not stated): gnomAD exomes 0.00001.

Submissions (3):

PreventionGenetics, part of Exact Sciences
Classification: Uncertain significance for NEFH-related condition. Last evaluated: 2024-12-09. Review status: criteria provided, single submitter. Criteria: ACMG Guidelines, 2015. Collection method: clinical testing. Allele origin: germline.
Comment: The NEFH c.1379A>G variant is predicted to result in the amino acid substitution p.Gln460Arg. To our knowledge, this variant has not been reported in the literature. This variant is reported in 0.00088% of alleles in individuals of European (Non-Finnish) descent in gnomAD. At this time, the clinical significance of this variant is uncertain due to the absence of conclusive functional and genetic evidence.

Women's Health and Genetics/Laboratory Corporation of America, LabCorp
Classification: Uncertain significance. Last evaluated: 2024-01-04. Review status: criteria provided, single submitter. Criteria: LabCorp Variant Classification Summary - May 2015. Collection method: clinical testing. Allele origin: germline.
Comment: Variant summary: NEFH c.1379A>G (p.Gln460Arg) results in a conservative amino acid change in the encoded protein sequence. Three of five in-silico tools predict a damaging effect of the variant on protein function. The variant allele was found at a frequency of 4e-06 in 251398 control chromosomes (gnomAD). The available data on variant occurrences in the general population are insufficient to allow any conclusion about variant significance. To our knowledge, no occurrence of c.1379A>G in individuals affected with Charcot-Marie Tooth Disease, Axonal, Type 2CC and no experimental evidence demonstrating its impact on protein function have been reported. Two submitters have reported clinical-significance assessments for this variant to ClinVar after 2014. Both submitters classified the variant as uncertain significance. Based on the evidence outlined above, the variant was classified as uncertain significance.

Ambry Genetics
Classification: Uncertain significance for Inborn genetic diseases. Last evaluated: 2022-04-27. Review status: criteria provided, single submitter. Criteria: Ambry Variant Classification Scheme 2023. Collection method: clinical testing. Allele origin: germline.
Comment: The p.Q460R variant (also known as c.1379A>G), located in coding exon 4 of the NEFH gene, results from an A to G substitution at nucleotide position 1379. The glutamine at codon 460 is replaced by arginine, an amino acid with highly similar properties. This amino acid position is well conserved in available vertebrate species. In addition, the in silico prediction for this alteration is inconclusive. Since supporting evidence is limited at this time, the clinical significance of this alteration remains unclear.

NM_021076.4(NEFH):c.1379A>G (p.Gln460Arg)

Gene: NEFH (neurofilament heavy chain; plus strand). Cytogenetic location: 22q12.2.
Variant type: single nucleotide variant.
Coding change: c.1379A>G on transcript NM_021076.4 (MANE Select); coding-DNA position 1379, A replaced by G.
Protein change: p.Gln460Arg; replaces glutamine 460 with arginine.
Molecular consequence: missense variant.
Genome position (GRCh38, 1-based): chr22:29,489,019, A>G. VCF-style: chr22-29489019-A-G. GRCh37 (hg19) VCF-style: chr22-29885008-A-G.
Other names: short protein forms Q460R.
Identifiers: ClinVar variation 1771227 (VCV001771227.5), dbSNP rs1402905894, ClinGen allele CA411129641.